The following is an entry in ClinVar:

NM_170606.3(KMT2C):c.11293G>A (p.Ala3765Thr)

Gene: KMT2C (lysine methyltransferase 2C; minus strand). Cytogenetic location: 7q36.1.
Variant type: single nucleotide variant.
Coding change: c.11293G>A on transcript NM_170606.3 (MANE Select); coding-DNA position 11293, G replaced by A.
Protein change: p.Ala3765Thr; replaces alanine 3765 with threonine.
Molecular consequence: missense variant.
Genome position (GRCh38, 1-based): chr7:152,162,284, C>T on the plus strand (G>A on the coding strand, the complement: KMT2C is on the minus strand). VCF-style: chr7-152162284-C-T. GRCh37 (hg19) VCF-style: chr7-151859369-C-T.
Other names: short protein forms A3765T.
Identifiers: ClinVar variation 5018418 (VCV005018418.1).

ClinVar aggregate classification (germline): Uncertain significance (1 of 4 stars; one submission).

Submission:

GeneDx
Classification: Uncertain significance. Last evaluated: 2026-04-11. Review status: criteria provided, single submitter. Criteria: GeneDx Variant Classification Process June 2021. Collection method: clinical testing. Allele origin: germline.
Comment: Not observed at significant frequency in large population cohorts (gnomAD); In silico analysis suggests that this missense variant does not alter protein structure/function; Has not been previously published as pathogenic or benign to our knowledge